The following is an entry in ClinVar:

NM_002235.5(KCNA6):c.1057T>G (p.Phe353Val)

Genes: KCNA6 (potassium voltage-gated channel subfamily A member 6; plus strand), KCNA6-AS1 (KCNA6 antisense RNA 1; minus strand). Cytogenetic location: 12p13.32.
Variant type: single nucleotide variant.
Coding change: c.1057T>G on transcript NM_002235.5 (MANE Select); coding-DNA position 1057, T replaced by G.
Protein change: p.Phe353Val; replaces phenylalanine 353 with valine.
Molecular consequence: missense variant. On other transcripts: non-coding transcript variant (3).
Genome position (GRCh38, 1-based): chr12:4,811,098, T>G. VCF-style: chr12-4811098-T-G. GRCh37 (hg19) VCF-style: chr12-4920264-T-G.
Other names: short protein forms F353V.
Identifiers: ClinVar variation 3370775 (VCV003370775.1).

ClinVar aggregate classification (germline): Uncertain significance (1 of 4 stars; one submission).

Submission:

GeneDx
Classification: Uncertain significance. Last evaluated: 2024-03-10. Review status: criteria provided, single submitter. Criteria: GeneDx Variant Classification Process June 2021. Collection method: clinical testing. Allele origin: germline. Affected: yes.
Comment: Not observed at significant frequency in large population cohorts (gnomAD); In silico analysis supports that this missense variant has a deleterious effect on protein structure/function; Has not been previously published as pathogenic or benign to our knowledge